The following is an entry in ClinVar:

NM_000023.4(SGCA):c.725T>C (p.Val242Ala)

Gene: SGCA (sarcoglycan alpha; plus strand). Cytogenetic location: 17q21.33.
Variant type: single nucleotide variant.
Coding change: c.725T>C on transcript NM_000023.4 (MANE Select); coding-DNA position 725, T replaced by C.
Protein change: p.Val242Ala; replaces valine 242 with alanine.
Molecular consequence: missense variant. On other transcripts: non-coding transcript variant (1), intron variant (1).
Genome position (GRCh38, 1-based): chr17:50,169,232, T>C. VCF-style: chr17-50169232-T-C. GRCh37 (hg19) VCF-style: chr17-48246593-T-C.
Other names: c.584+660T>C (NM_001135697.3); short protein forms V242A.
Identifiers: ClinVar variation 2678671 (VCV002678671.3), dbSNP rs1384158714, ClinGen allele CA400181029.

ClinVar aggregate classification (germline): Likely pathogenic. Review status: criteria provided, multiple submitters, no conflicts (2 of 4 stars). 3 submissions from 3 submitters: Likely pathogenic (3). Last evaluated 2024-02-08.

Conditions:
Autosomal recessive limb-girdle muscular dystrophy type 2D (LGMDR3). Also called: MUSCULAR DYSTROPHY, LIMB-GIRDLE, AUTOSOMAL RECESSIVE 3; ADHALINOPATHY, PRIMARY; DUCHENNE-LIKE AUTOSOMAL RECESSIVE MUSCULAR DYSTROPHY, TYPE 2. Identifiers: Orphanet 62, MedGen C2936332, MONDO:0011968, OMIM 608099. Disease mechanism: Affects gamma-sarcoglycan and also disrupts the integrity of the entire sarcoglycan complex..

Allele frequency attached by ClinVar (database versions not stated): gnomAD exomes below 0.00001; gnomAD 0.00001.
gnomAD v4.1: 2 of 1,613,744 alleles (0.00012%); highest among the groups gnomAD compares: Admixed American, 0.0017%; no homozygotes.

Submissions (3):

Fulgent Genetics
Classification: Likely pathogenic for Autosomal recessive limb-girdle muscular dystrophy type 2D. Last evaluated: 2024-02-08. Review status: criteria provided, single submitter. Criteria: ACMG Guidelines, 2015. Collection method: clinical testing. Allele origin: germline.

Baylor Genetics
Classification: Likely pathogenic for Autosomal recessive limb-girdle muscular dystrophy type 2D. Last evaluated: 2023-03-15. Review status: criteria provided, single submitter. Criteria: ACMG Guidelines, 2015. Collection method: clinical testing. Allele origin: unknown.

Kariminejad - Najmabadi Pathology & Genetics Center
Classification: Likely pathogenic for Autosomal recessive limb-girdle muscular dystrophy type 2D. Last evaluated: 2023-02-08. Review status: criteria provided, single submitter. Criteria: ACMG Guidelines, 2015. Collection method: clinical testing. Allele origin: germline. Inheritance: Autosomal recessive inheritance. Affected: yes.
Comment: PM2, PM3, PM5, PP3, PP2